The following is an entry in ClinVar:

NM_153717.3(EVC):c.1855G>A (p.Val619Ile)

Gene: EVC (EvC ciliary complex subunit 1; plus strand). Cytogenetic location: 4p16.2.
Variant type: single nucleotide variant.
Coding change: c.1855G>A on transcript NM_153717.3 (MANE Select); coding-DNA position 1855, G replaced by A.
Protein change: p.Val619Ile; replaces valine 619 with isoleucine.
Molecular consequence: missense variant.
Genome position (GRCh38, 1-based): chr4:5,793,686, G>A. VCF-style: chr4-5793686-G-A. GRCh37 (hg19) VCF-style: chr4-5795413-G-A.
Other names: c.1855G>A, p.Val619Ile (NM_001306090.2); short protein forms V619I.
Identifiers: ClinVar variation 194283 (VCV000194283.46), dbSNP rs111293777, ClinGen allele CA201095.

ClinVar aggregate classification (germline): Benign/Likely benign. Review status: criteria provided, multiple submitters, no conflicts (2 of 4 stars). 10 submissions from 10 submitters: Benign (6); Likely benign (3). 1 of the submissions does not count toward it. Last evaluated 2026-06-03.

Conditions:
Ellis-van Creveld syndrome (EVC). Also called: MESOECTODERMAL DYSPLASIA; Chondroectodermal dysplasia. Identifiers: Orphanet 289, MedGen C0013903, MONDO:0009162, OMIM 225500.
Curry-Hall syndrome (WAD). Also called: WEYERS ACRODENTAL DYSOSTOSIS. Identifiers: Orphanet 952, MedGen C0457013, MONDO:0008673, OMIM 193530.

Allele frequency attached by ClinVar (database versions not stated): gnomAD exomes 0.00051 and 0.00117; ExAC 0.00287; gnomAD 0.00328 and 0.00354; ESP Exome Variant Server 0.00370; TOPMed 0.00382; 1000 Genomes Project 0.00419; 1000 Genomes Project 30x 0.00422.
gnomAD v4.1: 1,234 of 1,551,356 alleles (0.08%); highest among the groups gnomAD compares: African/African-American, 1.3%; 12 homozygotes.

Submissions (10):

Women's Health and Genetics/Laboratory Corporation of America, LabCorp
Classification: Likely benign. Last evaluated: 2026-06-03. Review status: criteria provided, single submitter. Criteria: LabCorp Variant Classification Summary - May 2015. Collection method: clinical testing. Allele origin: germline.
Comment: Variant summary: EVC c.1855G>A (p.Val619Ile) results in a conservative amino acid change in the encoded protein sequence. Algorithms developed to predict the effect of missense changes on protein structure and function all suggest that this variant is likely to be tolerated. The variant allele was found at a frequency of 0.0012 in 157494 control chromosomes, predominantly at a frequency of 0.014 within the African or African-American subpopulation in the gnomAD database, including 2 homozygotes. The observed variant frequency within African or African-American control individuals in the gnomAD database exceeds the estimated maximal expected allele frequency for disease-causing variants in EVC. To our knowledge, no occurrence of c.1855G>A in individuals affected with EVC-related conditions and no experimental evidence demonstrating its impact on protein function have been reported. ClinVar contains an entry for this variant (Variation ID: 194283). Based on the evidence outlined above, the variant was classified as likely benign.

CeGaT Center for Human Genetics Tuebingen
Classification: Benign. Last evaluated: 2026-06-01. Review status: criteria provided, single submitter. Criteria: CeGaT Center For Human Genetics Tuebingen Variant Classification Criteria Version 2. Collection method: clinical testing. Allele origin: germline. Affected: yes. Observed: 1 variant allele.
Comment: EVC: BP4, BS1, BS2

Labcorp Genetics (formerly Invitae), Labcorp
Classification: Benign for Curry-Hall syndrome; Ellis-van Creveld syndrome. Last evaluated: 2026-02-02. Review status: criteria provided, single submitter. Criteria: Invitae Variant Classification Sherloc (09022015). Collection method: clinical testing. Allele origin: germline.

ARUP Laboratories, Molecular Genetics and Genomics, ARUP Laboratories
Classification: Benign. Last evaluated: 2025-06-24. Review status: criteria provided, single submitter. Criteria: ARUP Molecular Germline Variant Investigation Process 2024. Collection method: clinical testing. Allele origin: germline.

Blueprint Genetics
Classification: Likely benign. Last evaluated: 2024-10-18. Review status: criteria provided, single submitter. Criteria: ACMG Guidelines, 2015. Collection method: clinical testing. Allele origin: germline.

GeneDx
Classification: Benign. Last evaluated: 2019-11-27. Review status: criteria provided, single submitter. Criteria: GeneDx Variant Classification Process June 2021. Collection method: clinical testing. Allele origin: germline. Affected: yes.

Illumina Laboratory Services, Illumina
Classification: Benign for Ellis-van Creveld syndrome. Last evaluated: 2018-01-13. Review status: criteria provided, single submitter. Criteria: ICSL Variant Classification Criteria 13 December 2019. Collection method: clinical testing. Allele origin: germline.
Comment: This variant was observed in the ICSL laboratory as part of a predisposition screen in an ostensibly healthy population. It had not been previously curated by ICSL or reported in the Human Gene Mutation Database (HGMD: prior to June 1st, 2018), and was therefore a candidate for classification through an automated scoring system. Utilizing variant allele frequency, disease prevalence and penetrance estimates, and inheritance mode, an automated score was calculated to assess if this variant is too frequent to cause the disease. Based on the score and internal cut-off values, a variant classified as benign is not then subjected to further curation. The score for this variant resulted in a classification of benign for this disease.

Eurofins Ntd Llc (ga)
Classification: Benign. Last evaluated: 2015-04-21. Review status: criteria provided, single submitter. Criteria: EGL Classification Definitions 2015. Collection method: clinical testing. Allele origin: germline. Observed: 1 variant allele, 1 heterozygote.

PreventionGenetics, part of Exact Sciences
Classification: Likely benign. Review status: criteria provided, single submitter. Criteria: ACMG Guidelines, 2015. Collection method: clinical testing. Allele origin: germline.

Natera, Inc.
Classification: Benign for Ellis-van Creveld syndrome. Last evaluated: 2019-12-16. Review status: no assertion criteria provided. Collection method: clinical testing. Allele origin: germline. Not counted in ClinVar's aggregate classification.